The following is an entry in ClinVar:

ClinVar aggregate classification (germline): Likely benign (1 of 4 stars; one submission).

Submission:

CeGaT Center for Human Genetics Tuebingen
Classification: Likely benign. Last evaluated: 2022-05-01. Review status: criteria provided, single submitter. Criteria: CeGaT Center For Human Genetics Tuebingen Variant Classification Criteria Version 2. Collection method: clinical testing. Allele origin: germline. Affected: yes. Observed: 1 variant allele.
Comment: HERC1: PM2:Supporting, BP4, BP7

NM_003922.4(HERC1):c.8745G>A (p.Gln2915=)

Gene: HERC1 (HECT and RLD domain containing E3 ubiquitin protein ligase family member 1; minus strand). Cytogenetic location: 15q22.31.
Variant type: single nucleotide variant.
Coding change: c.8745G>A on transcript NM_003922.4 (MANE Select); coding-DNA position 8745, G replaced by A.
Protein change: p.Gln2915=; no amino-acid change (glutamine 2915 retained).
Molecular consequence: synonymous variant.
Genome position (GRCh38, 1-based): chr15:63,663,140, C>T on the plus strand (G>A on the coding strand, the complement: HERC1 is on the minus strand). VCF-style: chr15-63663140-C-T. GRCh37 (hg19) VCF-style: chr15-63955339-C-T.
Identifiers: ClinVar variation 1694754 (VCV001694754.31), dbSNP rs2152935962, ClinGen allele CA490710548.